The following is an entry in ClinVar:

NM_007294.4(BRCA1):c.1054G>A (p.Glu352Lys)

Gene: BRCA1 (BRCA1 DNA repair associated; minus strand). Cytogenetic location: 17q21.31.
Variant type: single nucleotide variant.
Coding change: c.1054G>A on transcript NM_007294.4 (MANE Select); coding-DNA position 1054, G replaced by A.
Protein change: p.Glu352Lys; replaces glutamic acid 352 with lysine.
Molecular consequence: missense variant. On other transcripts: intron variant (137).
Genome position (GRCh38, 1-based): chr17:43,094,477, C>T on the plus strand (G>A on the coding strand, the complement: BRCA1 is on the minus strand). VCF-style: chr17-43094477-C-T. GRCh37 (hg19) VCF-style: chr17-41246494-C-T.
Other names: c.787+267G>A (NM_001408404.1, NM_001408472.1, NM_001407990.1 and 19 more transcripts); c.646+267G>A (NM_001408466.1, NM_001408452.1, NM_001408455.1 and 11 more transcripts); c.643+267G>A (NM_001408468.1, NM_001408470.1, NM_001408464.1 and 3 more transcripts); c.523+267G>A (NM_001408501.1, NM_001408497.1, NM_001408500.1 and 3 more transcripts); c.577+267G>A (NM_001408492.1, NM_001408513.1, NM_001408483.1 and 9 more transcripts); c.1051G>A, p.Glu351Lys (NM_001407644.1, NM_001407637.1, NM_001407645.1 and 22 more transcripts); c.1054G>A, p.Glu352Lys (NM_001407640.1, NM_001407639.1, NM_001407641.1 and 30 more transcripts); c.520+267G>A (NM_001408503.1, NM_001408505.1, NM_001408504.1); and 40 more; short protein forms E352K, E305K, E264K, E281K, E56K, E224K, E225K, E240K.
Identifiers: ClinVar variation 409333 (VCV000409333.12), dbSNP rs80357472, ClinGen allele CA10599953.

ClinVar aggregate classification (germline): Conflicting classifications of pathogenicity. Review status: criteria provided, conflicting classifications (1 of 4 stars). 2 submissions from 2 submitters: Uncertain significance (1); Likely benign (1). Last evaluated 2023-03-23.

Conditions:
Hereditary breast ovarian cancer syndrome. Also called: Hereditary breast and ovarian cancer; Hereditary breast and/or ovarian cancer syndrome; BRCA1- and BRCA2-Associated Hereditary Breast and Ovarian Cancer; Hereditary breast and ovarian cancer syndrome; Hereditary breast and ovarian cancer syndrome (HBOC); Breast and ovarian cancer. Identifiers: Orphanet 145, MedGen C0677776, MeSH D061325, MONDO:0003582. Disease mechanism: loss of function.
Hereditary cancer-predisposing syndrome. Also called: Tumor predisposition; Hereditary Cancer Syndrome; Hereditary neoplastic syndrome; Neoplastic Syndromes, Hereditary. Identifiers: Orphanet 140162, MedGen C0027672, MeSH D009386, MONDO:0015356.

Submissions (2):

University of Washington Department of Laboratory Medicine, University of Washington
Classification: Likely benign for Hereditary cancer-predisposing syndrome. Last evaluated: 2023-03-23. Review status: criteria provided, single submitter. Criteria: Dines et al. (Genet Med. 2020). Collection method: curation. Allele origin: germline.
Comment: Missense variant in a coldspot region where missense variants are very unlikely to be pathogenic (PMID:31911673).

BRCA1 coldspot (exon 11 using historical exon numbering). Reclassification based on statistical prior probability

Labcorp Genetics (formerly Invitae), Labcorp
Classification: Uncertain significance for Hereditary breast ovarian cancer syndrome. Last evaluated: 2016-07-01. Review status: criteria provided, single submitter. Criteria: Invitae Variant Classification Sherloc (09022015). Collection method: clinical testing. Allele origin: germline.
Comment: Algorithms developed to predict the effect of missense changes on protein structure and function output the following: (SIFT: "Tolerated"; PolyPhen-2: "Benign"; Align-GVGD: "Class C0"). The lysine amino acid residue is also found in multiple mammalian species, suggesting that this missense change does not adversely affect protein function. These predictions have not been confirmed by published functional studies. In summary, this variant is a novel missense change that is not predicted to affect protein function. There is no indication that it causes disease, but the available evidence is currently insufficient to prove that conclusively. Therefore, it has been classified as a Variant of Uncertain Significance. This variant is not present in population databases (ExAC no frequency) and has not been reported in the literature in individuals with a BRCA1-related disease. This sequence change replaces glutamic acid with lysine at codon 352 of the BRCA1 protein (p.Glu352Lys). The glutamic acid residue is moderately conserved and there is a small physicochemical difference between glutamic acid and lysine.